The following is an entry in ClinVar:

NM_133497.4(KCNV2):c.866C>G (p.Ser289Trp)

Gene: KCNV2 (potassium voltage-gated channel modifier subfamily V member 2; plus strand). Cytogenetic location: 9p24.2.
Variant type: single nucleotide variant.
Coding change: c.866C>G on transcript NM_133497.4 (MANE Select); coding-DNA position 866, C replaced by G.
Protein change: p.Ser289Trp; replaces serine 289 with tryptophan.
Molecular consequence: missense variant.
Genome position (GRCh38, 1-based): chr9:2,718,605, C>G. VCF-style: chr9-2718605-C-G. GRCh37 (hg19) VCF-style: chr9-2718605-C-G.
Other names: c.866C>G (NM_133497.3); short protein forms S289W.
Identifiers: ClinVar variation 1036094 (VCV001036094.7), dbSNP rs569992163, ClinGen allele CA4965653.

ClinVar aggregate classification (germline): Uncertain significance. Review status: criteria provided, multiple submitters, no conflicts (2 of 4 stars). 2 submissions from 2 submitters: Uncertain significance (2). Last evaluated 2025-09-05.

Conditions:
Inborn genetic diseases. Identifiers: MedGen C0950123, MeSH D030342.

Submissions (2):

Ambry Genetics
Classification: Uncertain significance for Inborn genetic diseases. Last evaluated: 2025-09-05. Review status: criteria provided, single submitter. Criteria: Ambry Variant Classification Scheme 2023. Collection method: clinical testing. Allele origin: germline.

Labcorp Genetics (formerly Invitae), Labcorp
Classification: Uncertain significance. Last evaluated: 2022-06-20. Review status: criteria provided, single submitter. Criteria: Invitae Variant Classification Sherloc (09022015). Collection method: clinical testing. Allele origin: germline.
Comment: Advanced modeling of protein sequence and biophysical properties (such as structural, functional, and spatial information, amino acid conservation, physicochemical variation, residue mobility, and thermodynamic stability) performed at Invitae indicates that this missense variant is not expected to disrupt KCNV2 protein function. In summary, the available evidence is currently insufficient to determine the role of this variant in disease. Therefore, it has been classified as a Variant of Uncertain Significance. ClinVar contains an entry for this variant (Variation ID: 1036094). This variant has not been reported in the literature in individuals affected with KCNV2-related conditions. This variant is present in population databases (rs569992163, gnomAD 0.006%). This sequence change replaces serine, which is neutral and polar, with tryptophan, which is neutral and slightly polar, at codon 289 of the KCNV2 protein (p.Ser289Trp).